The following is an entry in ClinVar:

ClinVar aggregate classification (germline): Uncertain significance (1 of 4 stars; one submission).

Conditions:
Autosomal recessive severe congenital neutropenia due to CSF3R deficiency. Also called: Neutropenia, severe congenital, 7, autosomal recessive. Identifiers: Orphanet 420702, MedGen C4310764, MONDO:0014865, OMIM 617014.

Allele frequency attached by ClinVar (database versions not stated): gnomAD exomes 0.00001.
gnomAD v4.1: 9 of 1,614,230 alleles (0.00056%); highest among the groups gnomAD compares: East Asian, 0.018%; no homozygotes.

Submission:

Labcorp Genetics (formerly Invitae), Labcorp
Classification: Uncertain significance for Autosomal recessive severe congenital neutropenia due to CSF3R deficiency. Last evaluated: 2023-12-02. Review status: criteria provided, single submitter. Criteria: Invitae Variant Classification Sherloc (09022015). Collection method: clinical testing. Allele origin: germline.
Comment: This sequence change replaces serine, which is neutral and polar, with glycine, which is neutral and non-polar, at codon 155 of the CSF3R protein (p.Ser155Gly). This variant is present in population databases (no rsID available, gnomAD 0.006%). This variant has not been reported in the literature in individuals affected with CSF3R-related conditions. Advanced modeling of protein sequence and biophysical properties (such as structural, functional, and spatial information, amino acid conservation, physicochemical variation, residue mobility, and thermodynamic stability) performed at Invitae indicates that this missense variant is not expected to disrupt CSF3R protein function with a negative predictive value of 80%. In summary, the available evidence is currently insufficient to determine the role of this variant in disease. Therefore, it has been classified as a Variant of Uncertain Significance.

NM_000760.4(CSF3R):c.463A>G (p.Ser155Gly)

Gene: CSF3R (colony stimulating factor 3 receptor; minus strand). Cytogenetic location: 1p34.3.
Variant type: single nucleotide variant.
Coding change: c.463A>G on transcript NM_000760.4 (MANE Select); coding-DNA position 463, A replaced by G.
Protein change: p.Ser155Gly; replaces serine 155 with glycine.
Molecular consequence: missense variant.
Genome position (GRCh38, 1-based): chr1:36,473,786, T>C on the plus strand (A>G on the coding strand, the complement: CSF3R is on the minus strand). VCF-style: chr1-36473786-T-C. GRCh37 (hg19) VCF-style: chr1-36939387-T-C.
Other names: c.463A>G, p.Ser155Gly (NM_156039.3, NM_172313.3); short protein forms S155G.
Identifiers: ClinVar variation 2792891 (VCV002792891.3), dbSNP rs1264182383, ClinGen allele CA339423983.